The following is an entry in ClinVar:

NM_005422.4(TECTA):c.4011G>A (p.Ala1337=)

Genes: TBCEL-TECTA (TBCEL-TECTA readthrough; plus strand), TECTA (tectorin alpha; plus strand). Cytogenetic location: 11q23.3.
Variant type: single nucleotide variant.
Coding change: c.4011G>A on transcript NM_005422.4 (MANE Select); coding-DNA position 4011, G replaced by A.
Protein change: p.Ala1337=; no amino-acid change (alanine 1337 retained).
Molecular consequence: synonymous variant.
Genome position (GRCh38, 1-based): chr11:121,146,022, G>A. VCF-style: chr11-121146022-G-A. GRCh37 (hg19) VCF-style: chr11-121016731-G-A.
Other names: c.4968G>A, p.Ala1656= (NM_001378761.1).
Identifiers: ClinVar variation 45327 (VCV000045327.18), dbSNP rs144441070, ClinGen allele CA136044.

ClinVar aggregate classification (germline): Benign. Review status: criteria provided, multiple submitters, no conflicts (2 of 4 stars). 3 submissions from 3 submitters: Benign (3). Last evaluated 2026-02-01.

Allele frequency attached by ClinVar (database versions not stated): gnomAD exomes 0.00136; ExAC 0.00176; 1000 Genomes Project 0.00519; 1000 Genomes Project 30x 0.00547; gnomAD 0.00593 and 0.00634; TOPMed 0.00643; ESP Exome Variant Server 0.00661.
gnomAD v4.1: 1,802 of 1,614,018 alleles (0.11%); highest among the groups gnomAD compares: African/African-American, 2.1%; 21 homozygotes.

Submissions (3):

Labcorp Genetics (formerly Invitae), Labcorp
Classification: Benign. Last evaluated: 2026-02-01. Review status: criteria provided, single submitter. Criteria: Invitae Variant Classification Sherloc (09022015). Collection method: clinical testing. Allele origin: germline.

GeneDx
Classification: Benign. Last evaluated: 2019-10-14. Review status: criteria provided, single submitter. Criteria: GeneDx Variant Classification Process June 2021. Collection method: clinical testing. Allele origin: germline. Affected: yes.

Laboratory for Molecular Medicine, Mass General Brigham Personalized Medicine
Classification: Benign. Last evaluated: 2012-04-30. Review status: criteria provided, single submitter. Criteria: LMM Criteria. Collection method: clinical testing. Allele origin: germline. Observed: 8 variant alleles.
Comment: Ala1337Ala in Exon 11 of TECTA: This variant is not expected to have clinical si gnificance because it does not alter an amino acid residue, is not located withi n the splice consensus sequence, and has been identified in 1.8% (68/3738) of Af rican American chromosomes from a broad population by the NHLBI Exome Sequencing Project (dbSNP rs144441070).